The following is an entry in ClinVar:

NM_032119.4(ADGRV1):c.16063A>G (p.Met5355Val)

Gene: ADGRV1 (adhesion G protein-coupled receptor V1; plus strand). Cytogenetic location: 5q14.3.
Variant type: single nucleotide variant.
Coding change: c.16063A>G on transcript NM_032119.4 (MANE Select); coding-DNA position 16063, A replaced by G.
Protein change: p.Met5355Val; replaces methionine 5355 with valine.
Molecular consequence: missense variant. On other transcripts: non-coding transcript variant (1).
Genome position (GRCh38, 1-based): chr5:90,811,323, A>G. VCF-style: chr5-90811323-A-G. GRCh37 (hg19) VCF-style: chr5-90107140-A-G.
Other names: short protein forms M5355V.
Identifiers: ClinVar variation 4755873 (VCV004755873.1).

ClinVar aggregate classification (germline): Uncertain significance (1 of 4 stars; one submission).

gnomAD v4.1: 2 of 1,603,766 alleles (0.00012%); highest among the groups gnomAD compares: Non-Finnish European, 0.00017%; no homozygotes.

Submission:

GeneDx
Classification: Uncertain significance. Last evaluated: 2025-08-06. Review status: criteria provided, single submitter. Criteria: GeneDx Variant Classification Process June 2021. Collection method: clinical testing. Allele origin: germline. Affected: yes.
Comment: Not observed at significant frequency in large population cohorts (gnomAD); In silico analysis suggests that this missense variant does not alter protein structure/function; Has not been previously published as pathogenic or benign to our knowledge